The following is an entry in ClinVar:

NM_000465.4(BARD1):c.100dup (p.Trp34fs)

Gene: BARD1 (BRCA1 associated RING domain 1; minus strand). Cytogenetic location: 2q35.
Variant type: Duplication.
Coding change: c.100dup on transcript NM_000465.4 (MANE Select); coding-DNA position 100, one base duplicated (T; older notation c.100dupT).
Protein change: p.Trp34fs; shifts the reading frame from tryptophan 34.
Molecular consequence: frameshift variant. On other transcripts: non-coding transcript variant (3).
Genome position (GRCh38, 1-based): chr2:214,809,470, A duplicated on the plus strand (T on the coding strand, the reverse complement: BARD1 is on the minus strand). VCF-style (leftmost placement, unchanged base first): chr2-214809469-C-CA. GRCh37 (hg19) VCF-style: chr2-215674193-C-CA.
Other names: c.100dup, p.Trp34fs (NM_001282543.2, NM_001282545.2, NM_001282548.2 and 1 more transcripts); c.100dupT (NM_000465.2); short protein forms W34fs.
Identifiers: ClinVar variation 479159 (VCV000479159.15), dbSNP rs1553628410, ClinGen allele CA658657218.

ClinVar aggregate classification (germline): Pathogenic. Review status: criteria provided, multiple submitters, no conflicts (2 of 4 stars). 3 submissions from 3 submitters: Pathogenic (3). Last evaluated 2023-05-17.

Conditions:
Familial cancer of breast. Also called: BREAST CANCER, FAMILIAL; hereditary breast carcinoma; Hereditary breast cancer. Identifiers: Orphanet 227535, MedGen C0346153, MONDO:0016419, OMIM 114480. Disease mechanism: loss of function.
Hereditary cancer-predisposing syndrome. Also called: Neoplastic Syndromes, Hereditary; Hereditary Cancer Syndrome; Hereditary neoplastic syndrome; Tumor predisposition. Identifiers: Orphanet 140162, MedGen C0027672, MeSH D009386, MONDO:0015356.

Submissions (3):

Myriad Genetics, Inc.
Classification: Pathogenic for Familial cancer of breast. Last evaluated: 2023-05-17. Review status: criteria provided, single submitter. Criteria: Myriad Autosomal Dominant, Autosomal Recessive and X-Linked Classification Criteria (2023). Collection method: clinical testing. Allele origin: unknown.
Comment: This variant is considered pathogenic. This variant creates a frameshift predicted to result in premature protein truncation.

Labcorp Genetics (formerly Invitae), Labcorp
Classification: Pathogenic for Familial cancer of breast. Last evaluated: 2019-05-20. Review status: criteria provided, single submitter. Criteria: Invitae Variant Classification Sherloc (09022015). Collection method: clinical testing. Allele origin: germline.
Comment: This sequence change creates a premature translational stop signal (p.Trp34Leufs*22) in the BARD1 gene. It is expected to result in an absent or disrupted protein product. This variant is not present in population databases (ExAC no frequency). This variant has not been reported in the literature in individuals with BARD1-related conditions. ClinVar contains an entry for this variant (Variation ID: 479159). Loss-of-function variants in BARD1 are known to be pathogenic (PMID: 20077502, 21344236). For these reasons, this variant has been classified as Pathogenic.

Ambry Genetics
Classification: Pathogenic for Hereditary cancer-predisposing syndrome. Last evaluated: 2016-08-05. Review status: criteria provided, single submitter. Criteria: Ambry Variant Classification Scheme 2023. Collection method: clinical testing. Allele origin: germline.
Comment: The c.100dupT pathogenic mutation, located in coding exon 1 of the BARD1 gene, results from a duplication of T at nucleotide position 100, causing a translational frameshift with a predicted alternate stop codon. This alteration is expected to result in loss of function by premature protein truncation or nonsense-mediated mRNA decay. As such, this alteration is interpreted as a disease-causing mutation.

Literature cited by the submitters: PubMed 20077502 (cited by Labcorp Genetics (formerly Invitae), Labcorp); PubMed 21344236 (cited by Labcorp Genetics (formerly Invitae), Labcorp).